The following is an entry in ClinVar:

ClinVar aggregate classification (germline): Likely benign (1 of 4 stars; one submission).

Conditions:
SACS-related disorder. Also called: SACS-related condition.

gnomAD v4.1: 40 of 1,606,886 alleles (0.0025%); highest among the groups gnomAD compares: African/African-American, 0.033%; no homozygotes.

Submission:

PreventionGenetics, part of Exact Sciences
Classification: Likely benign for SACS-related condition. Last evaluated: 2026-02-20. Review status: criteria provided, single submitter. Criteria: ACMG Guidelines, 2015. Collection method: clinical testing. Allele origin: germline.
Comment: This variant is classified as likely benign based on ACMG/AMP sequence variant interpretation guidelines (Richards et al. 2015 PMID: 25741868, with internal and published modifications).

NM_014363.6(SACS):c.-1C>G

Gene: SACS (sacsin molecular chaperone; minus strand). Cytogenetic location: 13q12.12.
Variant type: single nucleotide variant.
Coding change: c.-1C>G on transcript NM_014363.6 (MANE Select); 1 bases upstream of the start codon, C replaced by G.
Molecular consequence: 5 prime UTR variant.
Genome position (GRCh38, 1-based): chr13:23,411,240, G>C on the plus strand (C>G on the coding strand, the complement: SACS is on the minus strand). VCF-style: chr13-23411240-G-C. GRCh37 (hg19) VCF-style: chr13-23985379-G-C.
Other names: c.-1C>G (NM_001437336.1).
Identifiers: ClinVar variation 4977233 (VCV004977233.1).